The following is an entry in ClinVar:

NM_001002800.3(SMC4):c.3849A>T (p.Ala1283=)

Genes: SMC4 (structural maintenance of chromosomes 4; plus strand), TRIM59-IFT80 (TRIM59-IFT80 readthrough (NMD candidate); minus strand). Cytogenetic location: 3q25.33.
Variant type: single nucleotide variant.
Coding change: c.3849A>T on transcript NM_001002800.3 (MANE Select); coding-DNA position 3849, A replaced by T.
Protein change: p.Ala1283=; no amino-acid change (alanine 1283 retained).
Molecular consequence: synonymous variant.
Genome position (GRCh38, 1-based): chr3:160,433,791, A>T. VCF-style: chr3-160433791-A-T. GRCh37 (hg19) VCF-style: chr3-160151579-A-T.
Other names: c.3774A>T, p.Ala1258= (NM_001288753.2); c.3849A>T, p.Ala1283= (NM_005496.3).
Identifiers: ClinVar variation 91919 (VCV000091919.2), dbSNP rs386352362, ClinGen allele CA232159.
Genomic context (GRCh38, chr3:160,433,791, plus strand): 5'-TGGAATTTACAAGACATACAACATAACAAAAAGTGTTGCTGTAAATCCAAAAGAAATTGC[A>T]TCTAAGGGACTTTGTTGAACTTTATGCTGAAGATTCTTCAAGTTGATTCAGTGTATTACT-3'
Protein context (NP_001002800.1, residues 1273-1288): KSVAVNPKEI[Ala1283=]SKGLC

ClinVar aggregate classification (germline): Uncertain significance (0 of 4 stars; one submission).

Submission:

Richard Lifton Laboratory, Yale University School of Medicine
Classification: Uncertain significance. Review status: no assertion criteria provided. Collection method: not provided. Allele origin: somatic.
Comment: SMC4
ClinVar note: Converted during submission from unknown to Uncertain significance.